The following is an entry in ClinVar:

NM_001042492.3(NF1):c.6524_6525insAA (p.Ile2176fs)

Gene: NF1 (neurofibromin 1; plus strand). Cytogenetic location: 17q11.2.
Variant type: Insertion.
Coding change: c.6524_6525insAA on transcript NM_001042492.3 (MANE Select); coding-DNA positions 6524 to 6525, AA inserted.
Protein change: p.Ile2176fs; shifts the reading frame from isoleucine 2176.
Molecular consequence: frameshift variant.
Genome position: GRCh38 VCF-style: chr17-31337464-T-TAA. GRCh37 (hg19) VCF-style: chr17-29664482-T-TAA.
Other names: c.6461_6462insAA, p.Ile2155Thrfs (NM_000267.4); short protein forms I2176fs, I2155fs.
Identifiers: ClinVar variation 839327 (VCV000839327.6), dbSNP rs2069705203, ClinGen allele CA916080677.

ClinVar aggregate classification (germline): Pathogenic (1 of 4 stars; one submission).

Conditions:
Neurofibromatosis, type 1 (NF1). Also called: Peripheral type neurofibromatosis; Neurofibromatosis, type I; VON RECKLINGHAUSEN DISEASE; NEUROFIBROMATOSIS, TYPE I, SOMATIC. Identifiers: Orphanet 636, MedGen C0027831, MONDO:0018975, OMIM 162200. Disease mechanism: loss of function.

Submission:

Labcorp Genetics (formerly Invitae), Labcorp
Classification: Pathogenic for Neurofibromatosis, type 1. Last evaluated: 2020-09-09. Review status: criteria provided, single submitter. Criteria: Invitae Variant Classification Sherloc (09022015). Collection method: clinical testing. Allele origin: germline.
Comment: This sequence change creates a premature translational stop signal (p.Ile2155Thrfs*25) in the NF1 gene. It is expected to result in an absent or disrupted protein product. This variant is not present in population databases (ExAC no frequency). For these reasons, this variant has been classified as Pathogenic. Loss-of-function variants in NF1 are known to be pathogenic (PMID: 10712197, 23913538). This variant has not been reported in the literature in individuals with NF1-related conditions.

Literature cited by the submitters: PubMed 10712197; PubMed 23913538.